The following is an entry in ClinVar:

ClinVar aggregate classification (germline): Likely pathogenic (1 of 4 stars; one submission).

Conditions:
Dilated cardiomyopathy 1G (CMD1G). Identifiers: Orphanet 154, MedGen C1858763, MONDO:0011400, OMIM 604145.
Autosomal recessive limb-girdle muscular dystrophy type 2J (LGMDR10). Also called: Limb-girdle muscular dystrophy, type 2J; MUSCULAR DYSTROPHY, LIMB-GIRDLE, AUTOSOMAL RECESSIVE 10. Identifiers: Orphanet 140922, MedGen C1837342, MONDO:0012127, OMIM 608807.

Allele frequency attached by ClinVar (database versions not stated): TOPMed below 0.00001.

Submission:

Labcorp Genetics (formerly Invitae), Labcorp
Classification: Likely pathogenic for Dilated cardiomyopathy 1G; Autosomal recessive limb-girdle muscular dystrophy type 2J. Last evaluated: 2024-03-28. Review status: criteria provided, single submitter. Criteria: Invitae Variant Classification Sherloc (09022015). Collection method: clinical testing. Allele origin: germline.
Comment: This sequence change affects a donor splice site in intron 121 of the TTN gene. It is expected to disrupt RNA splicing and likely results in a truncated or disrupted TTN protein. This variant is not present in population databases (gnomAD no frequency). This variant has not been observed in the literature in individuals with autosomal recessive TTN-related conditions. This variant has been reported in individual(s) with clinical features of dilated cardiomyopathy (Invitae); however, the role of the variant in this condition is currently unclear. Algorithms developed to predict the effect of sequence changes on RNA splicing suggest that this variant may disrupt the consensus splice site. This variant is located in the I band of TTN (PMID: 25589632). Truncating variants in this region have been reported in individuals affected with autosomal recessive centronuclear myopathy (PMID: 23975875, Invitae internal data). Truncating variants in this region have also been identified in individuals affected with autosomal dominant dilated cardiomyopathy and/or cardio-related conditions (PMID: 27869827, 32964742, Invitae internal data). In summary, the currently available evidence indicates that the variant is pathogenic, but additional data are needed to prove that conclusively. Therefore, this variant has been classified as Likely Pathogenic.

Literature cited by the submitters: PubMed 25589632; PubMed 23975875; PubMed 27869827; PubMed 32964742.

NM_001267550.2(TTN):c.31762+1G>T

Gene: TTN (titin; minus strand). Cytogenetic location: 2q31.2.
Variant type: single nucleotide variant.
Coding change: c.31762+1G>T on transcript NM_001267550.2 (MANE Select); the canonical splice donor site of the intron after coding-DNA position 31762, G replaced by T.
Molecular consequence: splice donor variant. On other transcripts: intron variant (3).
Genome position (GRCh38, 1-based): chr2:178,692,015, C>A on the plus strand (G>T on the coding strand, the complement: TTN is on the minus strand). VCF-style: chr2-178692015-C-A. GRCh37 (hg19) VCF-style: chr2-179556742-C-A.
Other names: c.13282+46067G>T (NM_003319.4); c.13858+46067G>T (NM_133437.4); c.13657+46067G>T (NM_133432.3); c.28030+1G>T (NM_133378.4); c.30811+1G>T (NM_001256850.1).
Identifiers: ClinVar variation 2937194 (VCV002937194.3), dbSNP rs2072577011, ClinGen allele CA349558819.